The following is an entry in ClinVar:

ClinVar aggregate classification (germline): Uncertain significance (1 of 4 stars; one submission).

Conditions:
Primary dilated cardiomyopathy (DCM). Also called: Dilated Cardiomyopathy. Identifiers: Orphanet 217604, MedGen C0007193, MeSH D002311, MONDO:0005021, HP:0001644. Inheritance: Various modes of inheritance.

Submission:

Labcorp Genetics (formerly Invitae), Labcorp
Classification: Uncertain significance for Primary dilated cardiomyopathy. Last evaluated: 2025-08-29. Review status: criteria provided, single submitter. Criteria: Invitae Variant Classification Sherloc (09022015). Collection method: clinical testing. Allele origin: germline.
Comment: This sequence change creates a premature translational stop signal (p.Glu417*) in the NEBL gene. It is expected to result in an absent or disrupted protein product. However, the current clinical and genetic evidence is not sufficient to establish whether loss-of-function variants in NEBL cause disease. This variant is not present in population databases (gnomAD no frequency). This variant has not been reported in the literature in individuals affected with NEBL-related conditions. Algorithms developed to predict the effect of sequence changes on RNA splicing suggest that this variant may disrupt the consensus splice site. In summary, the available evidence is currently insufficient to determine the role of this variant in disease. Therefore, it has been classified as a Variant of Uncertain Significance.

NM_006393.3(NEBL):c.1249G>T (p.Glu417Ter)

Gene: NEBL (nebulette; minus strand). Cytogenetic location: 10p12.31.
Variant type: single nucleotide variant.
Coding change: c.1249G>T on transcript NM_006393.3 (MANE Select); coding-DNA position 1249, G replaced by T.
Protein change: p.Glu417Ter; replaces glutamic acid 417 with a stop codon.
Molecular consequence: nonsense. On other transcripts: intron variant (9).
Genome position (GRCh38, 1-based): chr10:20,840,828, C>A on the plus strand (G>T on the coding strand, the complement: NEBL is on the minus strand). VCF-style: chr10-20840828-C-A. GRCh37 (hg19) VCF-style: chr10-21129757-C-A.
Other names: c.250-27888G>T (NM_001377326.1, NM_001377327.1, NM_001377328.1); c.358-27888G>T (NM_213569.2, NM_001173484.2, NM_001377322.1); c.301-27888G>T (NM_001377324.1); c.292-27888G>T (NM_001377325.1); c.310-27888G>T (NM_001377323.1); short protein forms E417*.
Identifiers: ClinVar variation 4716427 (VCV004716427.1).
Genomic context (GRCh38, chr10:20,840,828, plus strand): 5'-CTCTTTGGATATCAAGAACTTCTGAATTAAGTTCCATTCCTTTCCCTTTTATCTCATTTT[C>A]CAAATCTTTTTTATATTCTTTCTATGAGACAAGAATATCACAGTTCAAAACTTAGCAGGA-3'